The following is an entry in ClinVar:

ClinVar aggregate classification (germline): Likely benign (1 of 4 stars; one submission).

Allele frequency attached by ClinVar (database versions not stated): gnomAD exomes 0.00003 and 0.00005; ExAC 0.00026.
gnomAD v4.1: 41 of 1,507,222 alleles (0.0027%); highest among the groups gnomAD compares: South Asian, 0.019%; no homozygotes.

Submission:

Laboratory for Molecular Medicine, Mass General Brigham Personalized Medicine
Classification: Likely benign. Last evaluated: 2016-06-02. Review status: criteria provided, single submitter. Criteria: LMM Criteria. Collection method: clinical testing. Allele origin: germline. Observed: 1 variant allele.
Comment: p.Thr51Thr in exon 1 of CLPP: This variant is not expected to have clinical sign ificance because it does not alter an amino acid residue and is not located with in the splice consensus sequence. It has been identified in 1/1384 South Asian c hromosomes by the Exome Aggregation Consortium (ExAC .org; dbSNP rs769823589).

NM_006012.4(CLPP):c.153G>A (p.Thr51=)

Gene: CLPP (caseinolytic mitochondrial matrix peptidase proteolytic subunit; plus strand). Cytogenetic location: 19p13.3.
Variant type: single nucleotide variant.
Coding change: c.153G>A on transcript NM_006012.4 (MANE Select); coding-DNA position 153, G replaced by A.
Protein change: p.Thr51=; no amino-acid change (threonine 51 retained).
Molecular consequence: synonymous variant.
Genome position (GRCh38, 1-based): chr19:6,361,727, G>A. VCF-style: chr19-6361727-G-A. GRCh37 (hg19) VCF-style: chr19-6361738-G-A.
Identifiers: ClinVar variation 505096 (VCV000505096.4), dbSNP rs769823589, ClinGen allele CA9122781.
Genomic context (GRCh38, chr19:6,361,727, plus strand): 5'-GCGGCCGCCGCAGCGGACACTCCAGAACGGCCTGGCCCTGCAGCGGTGCCTGCACGCGAC[G>A]GCGACCCGGGCTCTCCCGCTCATTCCCATCGTGGTGGAGCAGACGGTACGGCGGCCGGGC-3'
Protein context (NP_006003.1, residues 41-61): GLALQRCLHA[Thr51=]ATRALPLIPI